The following is an entry in ClinVar:

NM_017654.4(SAMD9):c.3818A>T (p.Glu1273Val)

Gene: SAMD9 (sterile alpha motif domain containing 9; minus strand). Cytogenetic location: 7q21.2.
Variant type: single nucleotide variant.
Coding change: c.3818A>T on transcript NM_017654.4 (MANE Select); coding-DNA position 3818, A replaced by T.
Protein change: p.Glu1273Val; replaces glutamic acid 1273 with valine.
Molecular consequence: missense variant.
Genome position (GRCh38, 1-based): chr7:93,102,280, T>A on the plus strand (A>T on the coding strand, the complement: SAMD9 is on the minus strand). VCF-style: chr7-93102280-T-A. GRCh37 (hg19) VCF-style: chr7-92731593-T-A.
Other names: c.3818A>T, p.Glu1273Val (NM_001193307.2); short protein forms E1273V.
Identifiers: ClinVar variation 3949638 (VCV003949638.1).

ClinVar aggregate classification (germline): Uncertain significance (1 of 4 stars; one submission).

Conditions:
Inborn genetic diseases. Identifiers: MedGen C0950123, MeSH D030342.

gnomAD v4.1: 2 of 1,612,660 alleles (0.00012%); highest among the groups gnomAD compares: Non-Finnish European, 0.00017%; no homozygotes.

Submission:

Ambry Genetics
Classification: Uncertain significance for Inborn genetic diseases. Last evaluated: 2025-05-17. Review status: criteria provided, single submitter. Criteria: Ambry Variant Classification Scheme 2023. Collection method: clinical testing. Allele origin: germline.
Comment: The p.E1273V variant (also known as c.3818A>T), located in coding exon 1 of the SAMD9 gene, results from an A to T substitution at nucleotide position 3818. The glutamic acid at codon 1273 is replaced by valine, an amino acid with dissimilar properties. This amino acid position is conserved. In addition, this alteration is predicted to be tolerated by in silico analysis. Based on the available evidence, the clinical significance of this variant remains unclear.